The following is an entry in ClinVar:

NM_001283009.2(RTEL1):c.563C>T (p.Ala188Val)

Genes: RTEL1 (regulator of telomere elongation helicase 1; plus strand), RTEL1-TNFRSF6B (RTEL1-TNFRSF6B readthrough (NMD candidate); plus strand). Cytogenetic location: 20q13.33.
Variant type: single nucleotide variant.
Coding change: c.563C>T on transcript NM_001283009.2 (MANE Select); coding-DNA position 563, C replaced by T.
Protein change: p.Ala188Val; replaces alanine 188 with valine.
Molecular consequence: missense variant. On other transcripts: non-coding transcript variant (1), 5 prime UTR variant (1).
Genome position (GRCh38, 1-based): chr20:63,666,028, C>T. VCF-style: chr20-63666028-C-T. GRCh37 (hg19) VCF-style: chr20-62297381-C-T.
Other names: c.-107C>T (NM_001283010.1); c.563C>T, p.Ala188Val (NM_016434.4); c.635C>T, p.Ala212Val (NM_032957.5); short protein forms A188V, A212V.
Identifiers: ClinVar variation 1063036 (VCV001063036.9), dbSNP rs1258972797, ClinGen allele CA409670484.

ClinVar aggregate classification (germline): Uncertain significance. Review status: criteria provided, multiple submitters, no conflicts (2 of 4 stars). 2 submissions from 2 submitters: Uncertain significance (2). Last evaluated 2024-11-26.

Conditions:
Inborn genetic diseases. Identifiers: MedGen C0950123, MeSH D030342.
Pulmonary fibrosis and/or bone marrow failure, Telomere-related, 3. Also called: PULMONARY FIBROSIS AND/OR BONE MARROW FAILURE SYNDROME, TELOMERE-RELATED, 3. Identifiers: Orphanet 2032, MedGen C4225346, MONDO:0014613, OMIM 616373.
Dyskeratosis congenita, autosomal recessive 5 (DKCB5). Identifiers: MedGen C3554656, MONDO:0014076, OMIM 615190.

Allele frequency attached by ClinVar (database versions not stated): gnomAD exomes below 0.00001; TOPMed below 0.00001; gnomAD 0.00001.
gnomAD v4.1: 6 of 1,613,930 alleles (0.00037%); highest among the groups gnomAD compares: Non-Finnish European, 0.00051%; no homozygotes.

Submissions (2):

Ambry Genetics
Classification: Uncertain significance for Inborn genetic diseases. Last evaluated: 2024-11-26. Review status: criteria provided, single submitter. Criteria: Ambry Variant Classification Scheme 2023. Collection method: clinical testing. Allele origin: germline.
Comment: The p.A188V variant (also known as c.563C>T), located in coding exon 6 of the RTEL1 gene, results from a C to T substitution at nucleotide position 563. The alanine at codon 188 is replaced by valine, an amino acid with similar properties. This amino acid position is conserved. In addition, this alteration is predicted to be tolerated by in silico analysis. Based on the available evidence, the clinical significance of this variant remains unclear.

Labcorp Genetics (formerly Invitae), Labcorp
Classification: Uncertain significance for Dyskeratosis congenita, autosomal recessive 5; Pulmonary fibrosis and/or bone marrow failure, Telomere-related, 3. Last evaluated: 2024-05-19. Review status: criteria provided, single submitter. Criteria: Invitae Variant Classification Sherloc (09022015). Collection method: clinical testing. Allele origin: germline.
Comment: This sequence change replaces alanine, which is neutral and non-polar, with valine, which is neutral and non-polar, at codon 188 of the RTEL1 protein (p.Ala188Val). This variant is present in population databases (no rsID available, gnomAD 0.0009%). This variant has not been reported in the literature in individuals affected with RTEL1-related conditions. ClinVar contains an entry for this variant (Variation ID: 1063036). Algorithms developed to predict the effect of missense changes on protein structure and function output the following: SIFT: "Not Available"; PolyPhen-2: "Benign"; Align-GVGD: "Not Available". The valine amino acid residue is found in multiple mammalian species, which suggests that this missense change does not adversely affect protein function. In summary, the available evidence is currently insufficient to determine the role of this variant in disease. Therefore, it has been classified as a Variant of Uncertain Significance.